The following is an entry in ClinVar:

ClinVar aggregate classification (germline): Uncertain significance (1 of 4 stars; one submission).

Allele frequency attached by ClinVar (database versions not stated): gnomAD 0.00002 and 0.00003; TOPMed 0.00002; gnomAD exomes 0.00003 and 0.00005; ExAC 0.00007; 1000 Genomes Project 30x 0.00016; 1000 Genomes Project 0.00020.
gnomAD v4.1: 50 of 1,614,082 alleles (0.0031%); highest among the groups gnomAD compares: South Asian, 0.016%; no homozygotes.

Submission:

Labcorp Genetics (formerly Invitae), Labcorp
Classification: Uncertain significance. Last evaluated: 2022-08-09. Review status: criteria provided, single submitter. Criteria: Invitae Variant Classification Sherloc (09022015). Collection method: clinical testing. Allele origin: germline.
Comment: This sequence change replaces arginine, which is basic and polar, with histidine, which is basic and polar, at codon 2307 of the CELSR2 protein (p.Arg2307His). This variant is present in population databases (rs199671594, gnomAD 0.02%). This variant has not been reported in the literature in individuals affected with CELSR2-related conditions. ClinVar contains an entry for this variant (Variation ID: 1480001). Algorithms developed to predict the effect of missense changes on protein structure and function (SIFT, PolyPhen-2, Align-GVGD) all suggest that this variant is likely to be disruptive. In summary, the available evidence is currently insufficient to determine the role of this variant in disease. Therefore, it has been classified as a Variant of Uncertain Significance.

NM_001408.3(CELSR2):c.6920G>A (p.Arg2307His)

Gene: CELSR2 (cadherin EGF LAG seven-pass G-type receptor 2; plus strand). Cytogenetic location: 1p13.3.
Variant type: single nucleotide variant.
Coding change: c.6920G>A on transcript NM_001408.3 (MANE Select); coding-DNA position 6920, G replaced by A.
Protein change: p.Arg2307His; replaces arginine 2307 with histidine.
Molecular consequence: missense variant.
Genome position (GRCh38, 1-based): chr1:109,269,531, G>A. VCF-style: chr1-109269531-G-A. GRCh37 (hg19) VCF-style: chr1-109812153-G-A.
Other names: short protein forms R2307H.
Identifiers: ClinVar variation 1480001 (VCV001480001.5), dbSNP rs199671594, ClinGen allele CA988049.